The following is an entry in ClinVar:

NM_004278.4(PIGL):c.25G>T (p.Val9Leu)

Gene: PIGL (phosphatidylinositol glycan anchor biosynthesis class L; plus strand). Cytogenetic location: 17p11.2.
Variant type: single nucleotide variant.
Coding change: c.25G>T on transcript NM_004278.4 (MANE Select); coding-DNA position 25, G replaced by T.
Protein change: p.Val9Leu; replaces valine 9 with leucine.
Molecular consequence: missense variant.
Genome position (GRCh38, 1-based): chr17:16,217,251, G>T. VCF-style: chr17-16217251-G-T. GRCh37 (hg19) VCF-style: chr17-16120565-G-T.
Other names: c.25G>T, p.Val9Leu (NM_001411072.1); short protein forms V9L.
Identifiers: ClinVar variation 2088141 (VCV002088141.4), dbSNP rs1173392431, ClinGen allele CA398468805.

ClinVar aggregate classification (germline): Uncertain significance (1 of 4 stars; one submission).

Submission:

Labcorp Genetics (formerly Invitae), Labcorp
Classification: Uncertain significance. Last evaluated: 2024-10-28. Review status: criteria provided, single submitter. Criteria: Invitae Variant Classification Sherloc (09022015). Collection method: clinical testing. Allele origin: germline.
Comment: This sequence change replaces valine, which is neutral and non-polar, with leucine, which is neutral and non-polar, at codon 9 of the PIGL protein (p.Val9Leu). This variant is not present in population databases (gnomAD no frequency). This variant has not been reported in the literature in individuals affected with PIGL-related conditions. ClinVar contains an entry for this variant (Variation ID: 2088141). An algorithm developed to predict the effect of missense changes on protein structure and function outputs the following: PolyPhen-2: "Benign". The leucine amino acid residue is found in multiple mammalian species, which suggests that this missense change does not adversely affect protein function. In summary, the available evidence is currently insufficient to determine the role of this variant in disease. Therefore, it has been classified as a Variant of Uncertain Significance.